The following is an entry in ClinVar:

ClinVar aggregate classification (germline): Uncertain significance (1 of 4 stars; one submission).

Conditions:
Osteogenesis imperfecta type I (OI1). Also called: Lobstein disease; OI, TYPE I; OSTEOGENESIS IMPERFECTA TARDA; OSTEOGENESIS IMPERFECTA WITH BLUE SCLERAE; Osteogenesis imperfecta type 1; Lobstein's Disease. Identifiers: Orphanet 216796, Orphanet 666, MedGen C0023931, MONDO:0008146, OMIM 166200. Disease mechanism: loss of function.
Ehlers-Danlos syndrome, classic type, 1 (EDSCL1). Also called: EDS I; EHLERS-DANLOS SYNDROME, GRAVIS TYPE; EHLERS-DANLOS SYNDROME, SEVERE CLASSIC TYPE; Ehlers-Danlos syndrome, type 1; Ehlers-Danlos Syndrome, Classic Type, COL5A1-Related. Identifiers: MedGen C0268335, MONDO:0019567, OMIM 130000.

Allele frequency attached by ClinVar (database versions not stated): gnomAD exomes below 0.00001.
gnomAD v4.1: 1 of 1,614,124 alleles (0.000062%); highest among the groups gnomAD compares: Non-Finnish European, 0.000085%; no homozygotes.

Submission:

Labcorp Genetics (formerly Invitae), Labcorp
Classification: Uncertain significance for Osteogenesis imperfecta type I; Ehlers-Danlos syndrome, classic type, 1. Last evaluated: 2023-06-28. Review status: criteria provided, single submitter. Criteria: Invitae Variant Classification Sherloc (09022015). Collection method: clinical testing. Allele origin: germline.
Comment: This variant is not present in population databases (gnomAD no frequency). In summary, the available evidence is currently insufficient to determine the role of this variant in disease. Therefore, it has been classified as a Variant of Uncertain Significance. Advanced modeling of protein sequence and biophysical properties (such as structural, functional, and spatial information, amino acid conservation, physicochemical variation, residue mobility, and thermodynamic stability) performed at Invitae indicates that this missense variant is not expected to disrupt COL1A2 protein function. This variant has not been reported in the literature in individuals affected with COL1A2-related conditions. This sequence change replaces serine, which is neutral and polar, with glycine, which is neutral and non-polar, at codon 914 of the COL1A2 protein (p.Ser914Gly).

NM_000089.4(COL1A2):c.2740A>G (p.Ser914Gly)

Gene: COL1A2 (collagen type I alpha 2 chain; plus strand). Cytogenetic location: 7q21.3.
Variant type: single nucleotide variant.
Coding change: c.2740A>G on transcript NM_000089.4 (MANE Select); coding-DNA position 2740, A replaced by G.
Protein change: p.Ser914Gly; replaces serine 914 with glycine.
Molecular consequence: missense variant.
Genome position (GRCh38, 1-based): chr7:94,425,183, A>G. VCF-style: chr7-94425183-A-G. GRCh37 (hg19) VCF-style: chr7-94054495-A-G.
Other names: short protein forms S914G.
Identifiers: ClinVar variation 2941323 (VCV002941323.3), dbSNP rs2484733437, ClinGen allele CA368224512.